The following is an entry in ClinVar:

NM_015559.3(SETBP1):c.4178C>T (p.Ser1393Phe)

Gene: SETBP1 (SET binding protein 1; plus strand). Cytogenetic location: 18q12.3.
Variant type: single nucleotide variant.
Coding change: c.4178C>T on transcript NM_015559.3 (MANE Select); coding-DNA position 4178, C replaced by T.
Protein change: p.Ser1393Phe; replaces serine 1393 with phenylalanine.
Molecular consequence: missense variant.
Genome position (GRCh38, 1-based): chr18:45,063,085, C>T. VCF-style: chr18-45063085-C-T. GRCh37 (hg19) VCF-style: chr18-42643050-C-T.
Other names: c.4178C>T, p.Ser1393Phe (NM_001379141.1, NM_001379142.1); c.4007C>T, p.Ser1336Phe (NM_001410862.1); short protein forms S1336F, S1393F.
Identifiers: ClinVar variation 1704575 (VCV001704575.4), dbSNP rs1736757246, ClinGen allele CA402482703.

ClinVar aggregate classification (germline): Uncertain significance. Review status: criteria provided, multiple submitters, no conflicts (2 of 4 stars). 2 submissions from 2 submitters: Uncertain significance (2). Last evaluated 2023-11-24.

Allele frequency attached by ClinVar (database versions not stated): gnomAD exomes below 0.00001; gnomAD 0.00001.
gnomAD v4.1: 2 of 1,613,872 alleles (0.00012%); highest among the groups gnomAD compares: Admixed American, 0.0033%; no homozygotes.

Submissions (2):

Labcorp Genetics (formerly Invitae), Labcorp
Classification: Uncertain significance. Last evaluated: 2023-11-24. Review status: criteria provided, single submitter. Criteria: Invitae Variant Classification Sherloc (09022015). Collection method: clinical testing. Allele origin: germline.
Comment: This sequence change replaces serine, which is neutral and polar, with phenylalanine, which is neutral and non-polar, at codon 1393 of the SETBP1 protein (p.Ser1393Phe). This variant is not present in population databases (gnomAD no frequency). This variant has not been reported in the literature in individuals affected with SETBP1-related conditions. ClinVar contains an entry for this variant (Variation ID: 1704575). Advanced modeling of protein sequence and biophysical properties (such as structural, functional, and spatial information, amino acid conservation, physicochemical variation, residue mobility, and thermodynamic stability) performed at Invitae indicates that this missense variant is not expected to disrupt SETBP1 protein function with a negative predictive value of 80%. In summary, the available evidence is currently insufficient to determine the role of this variant in disease. Therefore, it has been classified as a Variant of Uncertain Significance.

Women's Health and Genetics/Laboratory Corporation of America, LabCorp
Classification: Uncertain significance. Last evaluated: 2022-07-05. Review status: criteria provided, single submitter. Criteria: LabCorp Variant Classification Summary - May 2015. Collection method: clinical testing. Allele origin: germline.
Comment: Variant summary: SETBP1 c.4178C>T (p.Ser1393Phe) results in a non-conservative amino acid change in the last exon of the encoded protein sequence. Three of five in-silico tools predict a benign effect of the variant on protein function. The variant was absent in 250968 control chromosomes (gnomAD). The available data on variant occurrences in the general population are insufficient to allow any conclusion about variant significance. To our knowledge, no occurrence of c.4178C>T in individuals affected with SETBP1-Related Disorders and no experimental evidence demonstrating its impact on protein function have been reported. No clinical diagnostic laboratories have submitted clinical-significance assessments for this variant to ClinVar after 2014. Based on the evidence outlined above, the variant was classified as uncertain significance.